The following is an entry in ClinVar:

NM_000061.3(BTK):c.895-37_928del

Gene: BTK (Bruton tyrosine kinase; minus strand). Cytogenetic location: Xq22.1.
Variant type: Deletion.
Coding change: c.895-37_928del on transcript NM_000061.3 (MANE Select); 37 bases into the intron before coding-DNA position 895 through coding-DNA position 928, 71 bases deleted.
Molecular consequence: splice acceptor variant.
Genome position (GRCh38, 1-based): chrX:101,358,663-101,358,733, 71 bases deleted. GRCh37 (hg19): chrX:100,613,654-100,613,724.
Other names: c.997-37_1030del (NM_001287344.2); c.895-37_928del (NM_001287345.2).
Identifiers: ClinVar variation 960938 (VCV000960938.8), dbSNP rs1926563302, ClinGen allele CA1139667731.

ClinVar aggregate classification (germline): Pathogenic (1 of 4 stars; one submission).

Conditions:
X-linked agammaglobulinemia with growth hormone deficiency (IGHD3). Also called: AGAMMAGLOBULINEMIA AND ISOLATED GROWTH HORMONE DEFICIENCY, X-LINKED; Isolated growth hormone deficiency type 3; Growth hormone deficiency with hypogammaglobulinemia; FLEISHER SYNDROME; HYPOGAMMAGLOBULINEMIA AND ISOLATED GROWTH HORMONE DEFICIENCY, X-LINKED; IGHD III. Identifiers: Orphanet 231692, Orphanet 631, MedGen C0472813, MONDO:0010615, OMIM 307200.

Submission:

Labcorp Genetics (formerly Invitae), Labcorp
Classification: Pathogenic for X-linked agammaglobulinemia with growth hormone deficiency. Last evaluated: 2020-01-01. Review status: criteria provided, single submitter. Criteria: Invitae Variant Classification Sherloc (09022015). Collection method: clinical testing. Allele origin: germline.
Comment: For these reasons, this variant has been classified as Pathogenic. Loss-of-function variants in BTK are known to be pathogenic (PMID: 15661032, 16862044, 19419768). Algorithms developed to predict the effect of sequence changes on RNA splicing suggest that this variant may disrupt the consensus splice site, but this prediction has not been confirmed by published transcriptional studies. This variant is not present in population databases (ExAC no frequency). This variant results in the deletion of part of exon 11 (c.895-37_928del) of the BTK gene. It is expected to disrupt RNA splicing and likely results in an absent or disrupted protein product.

Literature cited by the submitters: PubMed 15661032; PubMed 16862044; PubMed 19419768.